The following is an entry in ClinVar:

ClinVar aggregate classification (germline): Uncertain significance (1 of 4 stars; one submission).

Allele frequency attached by ClinVar (database versions not stated): gnomAD exomes below 0.00001; TOPMed below 0.00001.
gnomAD v4.1: 7 of 1,614,138 alleles (0.00043%); highest among the groups gnomAD compares: Non-Finnish European, 0.00059%; no homozygotes.

Submission:

GeneDx
Classification: Uncertain significance. Last evaluated: 2024-04-29. Review status: criteria provided, single submitter. Criteria: GeneDx Variant Classification Process June 2021. Collection method: clinical testing. Allele origin: germline. Affected: yes.
Comment: Not observed at a significant frequency in large population cohorts (gnomAD); In silico analysis supports that this missense variant has a deleterious effect on protein structure/function; Has not been previously published as pathogenic or benign to our knowledge

NM_033343.4(LHX4):c.475C>T (p.Arg159Trp)

Genes: ACBD6 (acyl-CoA binding domain containing 6; minus strand), LHX4 (LIM homeobox 4; plus strand), LHX4-AS1 (LHX4 antisense RNA 1; minus strand). Cytogenetic location: 1q25.2.
Variant type: single nucleotide variant.
Coding change: c.475C>T on transcript NM_033343.4 (MANE Select); coding-DNA position 475, C replaced by T.
Protein change: p.Arg159Trp; replaces arginine 159 with tryptophan.
Molecular consequence: missense variant. On other transcripts: non-coding transcript variant (1).
Genome position (GRCh38, 1-based): chr1:180,271,403, C>T. VCF-style: chr1-180271403-C-T. GRCh37 (hg19) VCF-style: chr1-180240538-C-T.
Other names: short protein forms R159W.
Identifiers: ClinVar variation 3253507 (VCV003253507.1), dbSNP rs1228372845.